The following is an entry in ClinVar:

NM_181523.3(PIK3R1):c.1921_1931del (p.Lys641fs)

Gene: PIK3R1 (phosphoinositide-3-kinase regulatory subunit 1; plus strand). Cytogenetic location: 5q13.1.
Variant type: Deletion.
Coding change: c.1921_1931del on transcript NM_181523.3 (MANE Select); coding-DNA positions 1921 to 1931, 11 bases deleted (AAGCGAGATGG).
Protein change: p.Lys641fs; shifts the reading frame from lysine 641.
Molecular consequence: frameshift variant.
Genome position (GRCh38, 1-based): chr5:68,296,277-68,296,287, AAGCGAGATGG deleted; deleting any 11 consecutive bases within chr5:68,296,275-68,296,287 gives the same sequence; the c. name uses the placement nearest the transcript's 3' end. VCF-style (leftmost placement, unchanged base first): chr5-68296274-GGGAAGCGAGAT-G. GRCh37 (hg19) VCF-style: chr5-67592102-GGGAAGCGAGAT-G.
Other names: NM_181523.3(PIK3R1):c.1921_1931del; p.Lys641fs; c.832_842del, p.Lys278fs (NM_001242466.2); c.1111_1121del, p.Lys371fs (NM_181504.4); c.1021_1031del, p.Lys341fs (NM_181524.2); short protein forms K278fs, K371fs, K341fs, K641fs.
Identifiers: ClinVar variation 861979 (VCV000861979.9), dbSNP rs1747708267, ClinGen allele CA916082714.

ClinVar aggregate classification (germline): Uncertain significance. Review status: reviewed by expert panel (3 of 4 stars). 2 submissions from 2 submitters: Uncertain significance (1). 1 of the submissions does not count toward it. Last evaluated 2026-05-19.

Conditions:
PIK3R1-related immunodeficiency and SHORT syndrome. Identifiers: MedGen CN379774, MONDO:1060136.
Agammaglobulinemia 7, autosomal recessive (AGM7). Also called: AGAMMAGLOBULINEMIA, AUTOSOMAL RECESSIVE, DUE TO PIK3R1 DEFECT. Identifiers: MedGen C3554689, MONDO:0014083, OMIM 615214.
Immunodeficiency 36 with lymphoproliferation. Also called: Immunodeficiency 36; Activated PI3K Delta Syndrome Type 2 (APDS2); ACTIVATED PI3K-DELTA SYNDROME 2. Identifiers: Orphanet 397596, Orphanet 693681, MedGen C4014934, MONDO:0014453, OMIM 616005.
SHORT syndrome. Also called: LIPODYSTROPHY, PARTIAL, WITH RIEGER ANOMALY AND SHORT STATURE; SHORT STATURE, HYPEREXTENSIBILITY, HERNIA, OCULAR DEPRESSION, RIEGER ANOMALY, AND TEETHING DELAY; PIK3R1-Related SHORT Syndrome. Identifiers: Orphanet 3163, MedGen C0878684, MONDO:0010026, OMIM 269880.

Submissions (2):

ClinGen Primary Immune Regulatory Disorders Variant Curation Expert Panel, ClinGen
Classification: Uncertain significance for PIK3R1-related immunodeficiency and SHORT syndrome. Last evaluated: 2026-05-19. Review status: reviewed by expert panel. Criteria: ClinGen AbDef ACMG Specifications PIK3R1 V1.0.0. Collection method: curation. Allele origin: germline. Inheritance: Autosomal dominant inheritance.
Comment: NM_181523.3(PIK3R1):c.1921_1931del (p.Lys641HisfsTer9) is a frameshift variant that introduces a premature stop codon into exon 15 of 16 that is predicted not to trigger nonsense-mediated decay but rather to C-terminally truncate the protein product (PVS1_Strong). This variant is absent from gnomAD v4.1.0 (PM2_Supporting). This variant has been reported in 1 unpublished proband with a phenotype that met 6.5 phenotypic points according to Antibody Deficiencies VCEP criteria, with genotyping by next-generation sequencing that was limited to the PIK3R1 gene alone. Because the Antibody Deficiencies VCEP requires a proband to have 10 phenotypic points in the absence of genotyping of other loci such as PIK3CD, PS4_Supporting was not met (6.5 total points, ClinVar Accession #: SCV001233731.6). In summary, this variant meets the criteria to be classified as a variant of uncertain significance for autosomal dominant PIK3R1-related immunodeficiency and SHORT syndrome based on the ACMG/AMP criteria applied, as specified by the ClinGen Antibody Deficiencies VCEP: PVS1_Strong and PM2_Supporting. (VCEP specifications version 1.0.0; date of approval 04/29/2026).

Labcorp Genetics (formerly Invitae), Labcorp
Classification: Likely pathogenic for SHORT syndrome; Immunodeficiency 36 with lymphoproliferation; Agammaglobulinemia 7, autosomal recessive. Last evaluated: 2025-06-17. Review status: criteria provided, single submitter. Criteria: Invitae Variant Classification Sherloc (09022015). Collection method: clinical testing. Allele origin: germline. Not counted in ClinVar's aggregate classification.
Comment: This sequence change creates a premature translational stop signal (p.Lys641Hisfs*9) in the PIK3R1 gene. While this is not anticipated to result in nonsense mediated decay, it is expected to disrupt the last 84 amino acid(s) of the PIK3R1 protein. This variant is not present in population databases (gnomAD no frequency). This premature translational stop signal has been observed in individual(s) with clinical features of SHORT syndrome (internal data). ClinVar contains an entry for this variant (Variation ID: 861979). This variant is located in a region of the PIK3R1 protein where a significant number of PIK3R1 nonsense and frameshift mutations have been reported in association with autosomal dominant SHORT syndrome (PMID: 33742773, 23810382, 27766312, 28472977). In summary, the currently available evidence indicates that the variant is pathogenic, but additional data are needed to prove that conclusively. Therefore, this variant has been classified as Likely Pathogenic.

Literature cited by the submitters: PubMed 33742773 (cited by Labcorp Genetics (formerly Invitae), Labcorp); PubMed 23810382 (cited by Labcorp Genetics (formerly Invitae), Labcorp); PubMed 27766312 (cited by Labcorp Genetics (formerly Invitae), Labcorp); PubMed 28472977 (cited by Labcorp Genetics (formerly Invitae), Labcorp).